The following is an entry in ClinVar:

ClinVar aggregate classification (germline): Uncertain significance (1 of 4 stars; one submission).

Conditions:
Hereditary spastic paraplegia 39 (SPG39). Also called: SPASTIC PARAPLEGIA 39, AUTOSOMAL RECESSIVE; Spastic Paraplegia Type 39 (SPG39). Identifiers: Orphanet 139480, MedGen C2677586, MONDO:0012787, OMIM 612020.

Allele frequency attached by ClinVar (database versions not stated): gnomAD exomes below 0.00001.
gnomAD v4.1: 1 of 1,614,208 alleles (0.000062%); highest among the groups gnomAD compares: Non-Finnish European, 0.000085%; no homozygotes.

Submission:

Labcorp Genetics (formerly Invitae), Labcorp
Classification: Uncertain significance for Hereditary spastic paraplegia 39. Last evaluated: 2022-03-11. Review status: criteria provided, single submitter. Criteria: Invitae Variant Classification Sherloc (09022015). Collection method: clinical testing. Allele origin: germline.
Comment: In summary, the available evidence is currently insufficient to determine the role of this variant in disease. Therefore, it has been classified as a Variant of Uncertain Significance. Algorithms developed to predict the effect of missense changes on protein structure and function (SIFT, PolyPhen-2, Align-GVGD) all suggest that this variant is likely to be disruptive. This variant has not been reported in the literature in individuals affected with PNPLA6-related conditions. This variant is not present in population databases (gnomAD no frequency). This sequence change replaces proline, which is neutral and non-polar, with serine, which is neutral and polar, at codon 1138 of the PNPLA6 protein (p.Pro1138Ser).

NM_001166114.2(PNPLA6):c.3526C>T (p.Pro1176Ser)

Gene: PNPLA6 (patatin like domain 6, lysophospholipase; plus strand). Cytogenetic location: 19p13.2.
Variant type: single nucleotide variant.
Coding change: c.3526C>T on transcript NM_001166114.2 (MANE Select); coding-DNA position 3526, C replaced by T.
Protein change: p.Pro1176Ser; replaces proline 1176 with serine.
Molecular consequence: missense variant.
Genome position (GRCh38, 1-based): chr19:7,558,978, C>T. VCF-style: chr19-7558978-C-T. GRCh37 (hg19) VCF-style: chr19-7623864-C-T.
Other names: c.3556C>T, p.Pro1186Ser (NM_001166111.2); c.3331C>T, p.Pro1111Ser (NM_001166112.2); c.3412C>T, p.Pro1138Ser (NM_001166113.1, NM_006702.5); short protein forms P1186S, P1111S, P1138S, P1176S.
Identifiers: ClinVar variation 2096681 (VCV002096681.4), dbSNP rs2512571039, ClinGen allele CA403134919.